The following is an entry in ClinVar:

ClinVar aggregate classification (germline): Uncertain significance (1 of 4 stars; one submission).

Allele frequency attached by ClinVar (database versions not stated): gnomAD exomes below 0.00001; TOPMed below 0.00001.
gnomAD v4.1: 7 of 1,610,670 alleles (0.00043%); highest among the groups gnomAD compares: African/African-American, 0.0013%; no homozygotes.

Submission:

Labcorp Genetics (formerly Invitae), Labcorp
Classification: Uncertain significance. Last evaluated: 2025-07-28. Review status: criteria provided, single submitter. Criteria: Invitae Variant Classification Sherloc (09022015). Collection method: clinical testing. Allele origin: germline.
Comment: This sequence change replaces glycine, which is neutral and non-polar, with serine, which is neutral and polar, at codon 345 of the PALM protein (p.Gly345Ser). The frequency data for this variant in the population databases is considered unreliable, as metrics indicate poor data quality at this position in the gnomAD database. This variant has not been reported in the literature in individuals affected with PALM-related conditions. ClinVar contains an entry for this variant (Variation ID: 2873300). An algorithm developed to predict the effect of missense changes on protein structure and function (PolyPhen-2) suggests that this variant is likely to be disruptive. In summary, the available evidence is currently insufficient to determine the role of this variant in disease. Therefore, it has been classified as a Variant of Uncertain Significance.

NM_002579.3(PALM):c.1033G>A (p.Gly345Ser)

Gene: PALM (paralemmin; plus strand). Cytogenetic location: 19p13.3.
Variant type: single nucleotide variant.
Coding change: c.1033G>A on transcript NM_002579.3 (MANE Select); coding-DNA position 1033, G replaced by A.
Protein change: p.Gly345Ser; replaces glycine 345 with serine.
Molecular consequence: missense variant.
Genome position (GRCh38, 1-based): chr19:746,683, G>A. VCF-style: chr19-746683-G-A. GRCh37 (hg19) VCF-style: chr19-746683-G-A.
Other names: c.901G>A, p.Gly301Ser (NM_001040134.2); short protein forms G301S, G345S.
Identifiers: ClinVar variation 2873300 (VCV002873300.3), dbSNP rs1258529456, ClinGen allele CA402892063.
Genomic context (GRCh38, chr19:746,683, plus strand): 5'-ACGGCGGAGCTGGTGGTCATCGAAGACGCGGCTGAGCCCAAGGAGCCTGCACCACCCAAC[G>A]GCAGTGCTGCCGAGCCTCCCACGGAGGCCGCCTCCAGGGAAGAGAATCAGGCGGGGCCCG-3'
Protein context (NP_002570.2, residues 335-355): AEPKEPAPPN[Gly345Ser]SAAEPPTEAA